The following is an entry in ClinVar:

ClinVar aggregate classification (germline): Uncertain significance. Review status: criteria provided, multiple submitters, no conflicts (2 of 4 stars). 7 submissions from 7 submitters: Uncertain significance (7). Last evaluated 2026-02-27.

Conditions:
DSP-related disorder. Also called: DSP-related condition; DSP-related disorders.
Cardiovascular phenotype. Identifiers: MedGen CN230736.
Arrhythmogenic right ventricular dysplasia 8 (ARVD8). Also called: ARRHYTHMOGENIC RIGHT VENTRICULAR DYSPLASIA, FAMILIAL, 8; ARRHYTHMOGENIC RIGHT VENTRICULAR CARDIOMYOPATHY 8; Arrhythmogenic Right Ventricular Dysplasia/Cardiomyopathy 8. Identifiers: MedGen C1843896, MONDO:0011831, OMIM 607450.
Arrhythmogenic cardiomyopathy with wooly hair and keratoderma. Also called: PALMOPLANTAR KERATODERMA WITH LEFT VENTRICULAR CARDIOMYOPATHY AND WOOLLY HAIR; Carvajal syndrome; Dilated cardiomyopathy with woolly hair and keratoderma; Arrhythmogenic cardiomyopathy with woolly hair and keratoderma. Identifiers: Orphanet 65282, MedGen C1854063, MONDO:0011581, OMIM 605676.
Cardiomyopathy (CMYO). Also called: Cardiomyopathies. Identifiers: Orphanet 167848, MedGen C0878544, MONDO:0004994, HP:0001638. Inheritance: Various modes of inheritance.

Allele frequency attached by ClinVar (database versions not stated): gnomAD 0.00001; gnomAD exomes 0.00001; TOPMed 0.00002.
gnomAD v4.1: 17 of 1,614,094 alleles (0.0011%); highest among the groups gnomAD compares: African/African-American, 0.0027%; no homozygotes.

Submissions (7):

Ambry Genetics
Classification: Uncertain significance for Cardiovascular phenotype. Last evaluated: 2026-02-27. Review status: criteria provided, single submitter. Criteria: Ambry Variant Classification Scheme 2023. Collection method: clinical testing. Allele origin: germline.

PreventionGenetics, part of Exact Sciences
Classification: Uncertain significance for DSP-related condition. Last evaluated: 2025-10-12. Review status: criteria provided, single submitter. Criteria: ACMG Guidelines, 2015. Collection method: clinical testing. Allele origin: germline.
Comment: The DSP c.2617C>G variant is predicted to result in the amino acid substitution p.Gln873Glu. This variant has been reported as a variant of uncertain significance in a cohort of individuals referred for genetic testing of cardiomyopathy and/or arrhythmia; however, detailed clinical information was not available (Supplement 2, Dellefave-Castillo et al. 2022. PubMed ID: 35947370). This variant has not been reported in a large population database (gnomAD), indicating this variant is rare. At this time, the clinical significance of this variant is uncertain due to the absence of conclusive functional and genetic evidence.

Labcorp Genetics (formerly Invitae), Labcorp
Classification: Uncertain significance for Arrhythmogenic cardiomyopathy with wooly hair and keratoderma; Arrhythmogenic right ventricular dysplasia 8. Last evaluated: 2025-01-31. Review status: criteria provided, single submitter. Criteria: Invitae Variant Classification Sherloc (09022015). Collection method: clinical testing. Allele origin: germline.
Comment: This sequence change replaces glutamine, which is neutral and polar, with glutamic acid, which is acidic and polar, at codon 873 of the DSP protein (p.Gln873Glu). This variant is not present in population databases (gnomAD no frequency). This variant has not been reported in the literature in individuals affected with DSP-related conditions. ClinVar contains an entry for this variant (Variation ID: 496242). An algorithm developed to predict the effect of missense changes on protein structure and function (PolyPhen-2) suggests that this variant is likely to be tolerated. In summary, the available evidence is currently insufficient to determine the role of this variant in disease. Therefore, it has been classified as a Variant of Uncertain Significance.

All of Us Research Program, National Institutes of Health
Classification: Uncertain significance for Arrhythmogenic cardiomyopathy with wooly hair and keratoderma. Last evaluated: 2024-05-17. Review status: criteria provided, single submitter. Criteria: ACMG Guidelines, 2015. Collection method: clinical testing. Allele origin: germline. Inheritance: Autosomal dominant inheritance. Observed: 7 variant alleles, 7 heterozygotes.
Comment: This missense variant replaces glutamine with glutamic acid at codon 873 of the DSP protein. Computational prediction suggests that this variant may not impact protein structure and function (internally defined REVEL score threshold <= 0.5, PMID: 27666373). To our knowledge, functional studies have not been reported for this variant. This variant has not been reported in individuals affected with DSP-related disorders in the literature. This variant has not been identified in the general population by the Genome Aggregation Database (gnomAD). The available evidence is insufficient to determine the role of this variant in disease conclusively. Therefore, this variant is classified as a Variant of Uncertain Significance.

This study involves interpretation of variants in research participants for the purpose of population health screening. Participant phenotype was not available at the time of variant classification. Additional details can be found in publication PMID: 35346344, PMCID: PMC8962531

Color Diagnostics, LLC DBA Color Health
Classification: Uncertain significance for Cardiomyopathy. Last evaluated: 2024-03-06. Review status: criteria provided, single submitter. Criteria: ACMG Guidelines, 2015. Collection method: clinical testing. Allele origin: germline.
Comment: This missense variant replaces glutamine with glutamic acid at codon 873 of the DSP protein. Computational prediction suggests that this variant may not impact protein structure and function (internally defined REVEL score threshold <= 0.5, PMID: 27666373). To our knowledge, functional studies have not been reported for this variant. This variant has not been reported in individuals affected with DSP-related disorders in the literature. This variant has not been identified in the general population by the Genome Aggregation Database (gnomAD). The available evidence is insufficient to determine the role of this variant in disease conclusively. Therefore, this variant is classified as a Variant of Uncertain Significance.

Institute for Clinical Genetics, University Hospital TU Dresden, University Hospital TU Dresden
Classification: Uncertain significance. Last evaluated: 2022-10-24. Review status: criteria provided, single submitter. Criteria: ACMG Guidelines, 2015. Collection method: clinical testing. Allele origin: germline.
Comment: PM2_SUP

Women's Health and Genetics/Laboratory Corporation of America, LabCorp
Classification: Uncertain significance. Last evaluated: 2017-02-20. Review status: criteria provided, single submitter. Criteria: LabCorp Variant Classification Summary - May 2015. Collection method: clinical testing. Allele origin: germline.
Comment: Variant summary: The DSP c.2617C>G (p.Gln873Glu) variant involves the alteration of a conserved nucleotide and is predicted to be benign by 3/4 in silico tools (SNPs&GO not captured due to low reliability index). This variant is located outside of some of known domains/repeats in DSP protein (InterPro, UniProt). This variant is absent in 121340 control chromosomes from ExAC. The variant of interest has not, to our knowledge, been reported in affected individuals via publications and/or reputable databases/clinical diagnostic laboratories, nor evaluated for functional impact by in vivo/vitro studies. Because of the absence of clinical information and the lack of functional studies, the variant is classified as a variant of uncertain significance (VUS) until additional information becomes available.

NM_004415.4(DSP):c.2617C>G (p.Gln873Glu)

Gene: DSP (desmoplakin; plus strand). Cytogenetic location: 6p24.3.
Variant type: single nucleotide variant.
Coding change: c.2617C>G on transcript NM_004415.4 (MANE Select); coding-DNA position 2617, C replaced by G.
Protein change: p.Gln873Glu; replaces glutamine 873 with glutamic acid.
Molecular consequence: missense variant.
Genome position (GRCh38, 1-based): chr6:7,575,475, C>G. VCF-style: chr6-7575475-C-G. GRCh37 (hg19) VCF-style: chr6-7575708-C-G.
Other names: c.2617C>G (NM_004415.3, LRG_423t1); c.2617C>G, p.Gln873Glu (NM_001008844.3, NM_001319034.2); short protein forms Q873E.
Identifiers: ClinVar variation 496242 (VCV000496242.20), dbSNP rs794728118, ClinGen allele CA362681735.